The following is an entry in ClinVar:

ClinVar aggregate classification (germline): Uncertain significance (1 of 4 stars; one submission).

Allele frequency attached by ClinVar (database versions not stated): gnomAD exomes below 0.00001; ExAC 0.00002.
gnomAD v4.1: 1 of 1,613,710 alleles (0.000062%); highest among the groups gnomAD compares: South Asian, 0.0011%; no homozygotes.

Submission:

GeneDx
Classification: Uncertain significance. Last evaluated: 2022-09-28. Review status: criteria provided, single submitter. Criteria: GeneDx Variant Classification Process June 2021. Collection method: clinical testing. Allele origin: germline. Affected: yes.
Comment: Not observed at significant frequency in large population cohorts (gnomAD); In silico analysis supports that this missense variant does not alter protein structure/function; Has not been previously published as pathogenic or benign to our knowledge

NM_006440.5(TXNRD2):c.586A>G (p.Thr196Ala)

Gene: TXNRD2 (thioredoxin reductase 2; minus strand). Cytogenetic location: 22q11.21.
Variant type: single nucleotide variant.
Coding change: c.586A>G on transcript NM_006440.5 (MANE Select); coding-DNA position 586, A replaced by G.
Protein change: p.Thr196Ala; replaces threonine 196 with alanine.
Molecular consequence: missense variant. On other transcripts: non-coding transcript variant (1).
Genome position (GRCh38, 1-based): chr22:19,915,219, T>C on the plus strand (A>G on the coding strand, the complement: TXNRD2 is on the minus strand). VCF-style: chr22-19915219-T-C. GRCh37 (hg19) VCF-style: chr22-19902742-T-C.
Other names: c.586A>G, p.Thr196Ala (NM_001282512.3); c.583A>G, p.Thr195Ala (NM_001352300.2); c.496A>G, p.Thr166Ala (NM_001352301.2); c.298A>G, p.Thr100Ala (NM_001352302.2); c.490A>G, p.Thr164Ala (NM_001352303.2); short protein forms T100A, T164A, T166A, T195A, T196A.
Identifiers: ClinVar variation 2446632 (VCV002446632.1), dbSNP rs780205210, ClinGen allele CA10104122.